The following is an entry in ClinVar:

ClinVar aggregate classification (germline): Pathogenic. Review status: criteria provided, multiple submitters, no conflicts (2 of 4 stars). 3 submissions from 3 submitters: Pathogenic (3). Last evaluated 2024-05-23.

Conditions:
Muscular dystrophy, limb-girdle, autosomal dominant 4. Also called: MUSCULAR DYSTROPHY, LIMB-GIRDLE, TYPE 1I; Calpain-3-related limb-girdle muscular dystrophy D4. Identifiers: Orphanet 565909, MedGen C4748295, MONDO:0029133, OMIM 618129.
Autosomal recessive limb-girdle muscular dystrophy type 2A (LGMDR1). Also called: LEYDEN-MOEBIUS MUSCULAR DYSTROPHY; MUSCULAR DYSTROPHY, PELVOFEMORAL; Limb-girdle muscular dystrophy, type 2A; Calpainopathy; Muscular dystrophy, limb-girdle, type 2A, Amish. Identifiers: Orphanet 267, MedGen C1869123, MONDO:0009675, OMIM 253600. Disease mechanism: loss of function.

Submissions (3):

Fulgent Genetics
Classification: Pathogenic for Autosomal recessive limb-girdle muscular dystrophy type 2A; Muscular dystrophy, limb-girdle, autosomal dominant 4. Last evaluated: 2024-05-23. Review status: criteria provided, single submitter. Criteria: ACMG Guidelines, 2015. Collection method: clinical testing. Allele origin: germline.

Baylor Genetics
Classification: Pathogenic for Muscular dystrophy, limb-girdle, autosomal dominant 4. Last evaluated: 2024-03-18. Review status: criteria provided, single submitter. Criteria: ACMG Guidelines, 2015. Collection method: clinical testing. Allele origin: unknown.

Labcorp Genetics (formerly Invitae), Labcorp
Classification: Pathogenic for Autosomal recessive limb-girdle muscular dystrophy type 2A. Last evaluated: 2023-11-01. Review status: criteria provided, single submitter. Criteria: Invitae Variant Classification Sherloc (09022015). Collection method: clinical testing. Allele origin: germline.
Comment: This sequence change creates a premature translational stop signal (p.Lys598Profs*63) in the CAPN3 gene. It is expected to result in an absent or disrupted protein product. Loss-of-function variants in CAPN3 are known to be pathogenic (PMID: 10330340, 15689361). This variant is not present in population databases (gnomAD no frequency). This premature translational stop signal has been observed in individual(s) with limb-girdle muscular dystrophy (PMID: 10330340). ClinVar contains an entry for this variant (Variation ID: 1069050). For these reasons, this variant has been classified as Pathogenic.

Literature cited by the submitters: PubMed 10330340 (cited by Labcorp Genetics (formerly Invitae), Labcorp); PubMed 15689361 (cited by Labcorp Genetics (formerly Invitae), Labcorp).

NM_000070.3(CAPN3):c.1788_1791del (p.Lys598fs)

Gene: CAPN3 (calpain 3; plus strand). Cytogenetic location: 15q15.1.
Variant type: Deletion.
Coding change: c.1788_1791del on transcript NM_000070.3 (MANE Select); coding-DNA positions 1788 to 1791, 4 bases deleted (GAAA; older notation c.1788_1791delGAAA).
Protein change: p.Lys598fs; shifts the reading frame from lysine 598.
Molecular consequence: frameshift variant. On other transcripts: 5 prime UTR variant (1), intron variant (3).
Genome position (GRCh38, 1-based): chr15:42,405,931-42,405,934, GAAA deleted; deleting any 4 consecutive bases within chr15:42,405,928-42,405,934 gives the same sequence; the c. name uses the placement nearest the transcript's 3' end. VCF-style (leftmost placement, unchanged base first): chr15-42405927-AAAAG-A. GRCh37 (hg19) VCF-style: chr15-42698125-AAAAG-A.
Other names: c.252_255del, p.Lys86fs (NM_173088.2); c.-94_-91del (NM_173090.2); c.1782+2154_1782+2157del (NM_024344.2); c.1638+2154_1638+2157del (NM_173087.2); c.-82+976_-82+979del (NM_173089.2); short protein forms K598fs, K86fs.
Identifiers: ClinVar variation 1069050 (VCV001069050.12), dbSNP rs2141210355, ClinGen allele CA912980495.